The following is an entry in ClinVar:

ClinVar aggregate classification (germline): Uncertain significance. Review status: criteria provided, multiple submitters, no conflicts (2 of 4 stars). 2 submissions from 2 submitters: Uncertain significance (2). Last evaluated 2025-04-19.

Conditions:
Inborn genetic diseases. Identifiers: MedGen C0950123, MeSH D030342.

Allele frequency attached by ClinVar (database versions not stated): ExAC 0.00001; gnomAD 0.00004; TOPMed 0.00005.

Submissions (2):

Ambry Genetics
Classification: Uncertain significance for Inborn genetic diseases. Last evaluated: 2025-04-19. Review status: criteria provided, single submitter. Criteria: Ambry Variant Classification Scheme 2023. Collection method: clinical testing. Allele origin: germline.

Labcorp Genetics (formerly Invitae), Labcorp
Classification: Uncertain significance. Last evaluated: 2022-07-07. Review status: criteria provided, single submitter. Criteria: Invitae Variant Classification Sherloc (09022015). Collection method: clinical testing. Allele origin: germline.
Comment: This sequence change replaces threonine, which is neutral and polar, with serine, which is neutral and polar, at codon 531 of the GPAA1 protein (p.Thr531Ser). This variant is present in population databases (rs782808159, gnomAD 0.01%). This variant has not been reported in the literature in individuals affected with GPAA1-related conditions. Algorithms developed to predict the effect of missense changes on protein structure and function (SIFT, PolyPhen-2, Align-GVGD) all suggest that this variant is likely to be tolerated. In summary, the available evidence is currently insufficient to determine the role of this variant in disease. Therefore, it has been classified as a Variant of Uncertain Significance.

NM_003801.4(GPAA1):c.1592C>G (p.Thr531Ser)

Gene: GPAA1 (glycosylphosphatidylinositol anchor attachment 1; plus strand). Cytogenetic location: 8q24.3.
Variant type: single nucleotide variant.
Coding change: c.1592C>G on transcript NM_003801.4 (MANE Select); coding-DNA position 1592, C replaced by G.
Protein change: p.Thr531Ser; replaces threonine 531 with serine.
Molecular consequence: missense variant.
Genome position (GRCh38, 1-based): chr8:144,085,713, C>G. VCF-style: chr8-144085713-C-G. GRCh37 (hg19) VCF-style: chr8-145140616-C-G.
Other names: c.1592C>G (NM_003801.3); short protein forms T531S.
Identifiers: ClinVar variation 2421415 (VCV002421415.4), dbSNP rs782808159, ClinGen allele CA4933201.